The following is an entry in ClinVar:

NM_001356.5(DDX3X):c.543+5G>A

Gene: DDX3X (DEAD-box helicase 3 X-linked; plus strand). Cytogenetic location: Xp11.4.
Variant type: single nucleotide variant.
Coding change: c.543+5G>A on transcript NM_001356.5 (MANE Select); 5 bases into the intron after coding-DNA position 543, G replaced by A.
Molecular consequence: intron variant.
Genome position (GRCh38, 1-based): chrX:41,342,841, G>A. VCF-style: chrX-41342841-G-A. GRCh37 (hg19) VCF-style: chrX-41202094-G-A.
Other names: c.543+5G>A (NM_001193416.3); c.495+5G>A (NM_001193417.3); c.-16+5G>A (NM_001363819.1).
Identifiers: ClinVar variation 489129 (VCV000489129.4), dbSNP rs1555953039, ClinGen allele CA658684299.

ClinVar aggregate classification (germline): Conflicting classifications of pathogenicity. Review status: criteria provided, conflicting classifications (1 of 4 stars). 2 submissions from 2 submitters: Pathogenic (1); Uncertain significance (1). Last evaluated 2026-01-30.

Conditions:
Intellectual disability, X-linked 102 (MRXSSB). Also called: Intellectual developmental disorder, X-linked syndromic, Snijders Blok type. Identifiers: Orphanet 457260, MedGen C5393299, MONDO:0010497, OMIM 300958.

Submissions (2):

Dasa
Classification: Uncertain significance for Intellectual disability, X-linked 102. Last evaluated: 2026-01-30. Review status: criteria provided, single submitter. Criteria: DASA Assertion Criteria. Collection method: clinical testing. Allele origin: germline.
Comment: NM_001356.5(DDX3X):c.543+5G>A is a splice-region variant predicted to affect normal RNA splicing. This variant has been reported in individuals with DDX3X-related disorders (PMID: 31618753). Also, this variant is rare in population databases. Computational prediction algorithms are consistent with a deleterious effect. The currently available literature and clinical evidence are not sufficient to establish a definitive association between this variant and the reported condition. Therefore, this variant is classified as a variant of uncertain significance.

GeneDx
Classification: Pathogenic. Last evaluated: 2018-12-05. Review status: criteria provided, single submitter. Criteria: GeneDx Variant Classification (06012015). Collection method: clinical testing. Allele origin: germline. Affected: yes.
Comment: The c.543+5G>A variant in the DDX3X gene has not been reported previously as a pathogenic variant nor as a benign variant, to our knowledge. This splice site variant destroys the natural splice donor site in intron 6, which is predicted to cause abnormal gene splicing. The c.543+5G>A variant is not observed in large population cohorts (Lek et al., 2016). We interpret c.543+5G>A as a pathogenic variant.

Literature cited by the submitters: PubMed 31618753 (cited by Dasa).